The following is an entry in ClinVar:

ClinVar aggregate classification (germline): Likely benign. Review status: criteria provided, multiple submitters, no conflicts (2 of 4 stars). 2 submissions from 2 submitters: Likely benign (2). Last evaluated 2024-05-28.

Conditions:
Bethlem myopathy 1A. Also called: Bethlem myopathy 1; MYOPATHY, BENIGN CONGENITAL, WITH CONTRACTURES; Bethlem Muscular Dystrophy. Identifiers: Orphanet 610, MedGen CN029274, MONDO:0024530, OMIM 158810.

Allele frequency attached by ClinVar (database versions not stated): gnomAD exomes below 0.00001; ExAC 0.00001.
gnomAD v4.1: 6 of 1,606,046 alleles (0.00037%); highest among the groups gnomAD compares: Non-Finnish European, 0.00034%; no homozygotes.

Submissions (2):

Women's Health and Genetics/Laboratory Corporation of America, LabCorp
Classification: Likely benign. Last evaluated: 2024-05-28. Review status: criteria provided, single submitter. Criteria: LabCorp Variant Classification Summary - May 2015. Collection method: clinical testing. Allele origin: germline.
Comment: Variant summary: COL6A1 c.2066+12A>C alters a non-conserved nucleotide located at a position not widely known to affect splicing. Consensus agreement among computation tools predict no significant impact on normal splicing. However, these predictions have yet to be confirmed by functional studies. The variant allele was found at a frequency of 4.4e-06 in 228678 control chromosomes (gnomAD). The available data on variant occurrences in the general population are insufficient to allow any conclusion about variant significance. To our knowledge, no occurrence of c.2066+12A>C in individuals affected with Collagen Type VI-Related Disorders and no experimental evidence demonstrating its impact on protein function have been reported. ClinVar contains an entry for this variant (Variation ID: 2876698). Based on the evidence outlined above, the variant was classified as likely benign.

Labcorp Genetics (formerly Invitae), Labcorp
Classification: Likely benign for Bethlem myopathy 1A. Last evaluated: 2022-11-07. Review status: criteria provided, single submitter. Criteria: Invitae Variant Classification Sherloc (09022015). Collection method: clinical testing. Allele origin: germline.

NM_001848.3(COL6A1):c.2066+12A>C

Gene: COL6A1 (collagen type VI alpha 1 chain; plus strand). Cytogenetic location: 21q22.3.
Variant type: single nucleotide variant.
Coding change: c.2066+12A>C on transcript NM_001848.3 (MANE Select); 12 bases into the intron after coding-DNA position 2066, A replaced by C.
Molecular consequence: intron variant.
Genome position (GRCh38, 1-based): chr21:46,002,082, A>C. VCF-style: chr21-46002082-A-C. GRCh37 (hg19) VCF-style: chr21-47421996-A-C.
Identifiers: ClinVar variation 2876698 (VCV002876698.4), dbSNP rs750935410, ClinGen allele CA10070739.